The following is an entry in ClinVar:

ClinVar aggregate classification (germline): Likely benign (1 of 4 stars; one submission).

Allele frequency attached by ClinVar (database versions not stated): 1000 Genomes Project 30x 0.02046; 1000 Genomes Project 0.02137; TOPMed 0.02163; gnomAD 0.02190.
gnomAD v4.1: 34,716 of 1,119,296 alleles (3.1%); highest among the groups gnomAD compares: Middle Eastern, 4.6%; 703 homozygotes.

Submission:

GeneDx
Classification: Likely benign. Last evaluated: 2018-06-14. Review status: criteria provided, single submitter. Criteria: GeneDx Variant Classification (06012015). Collection method: clinical testing. Allele origin: germline. Affected: yes.
Comment: This variant is considered likely benign or benign based on one or more of the following criteria: it is a conservative change, it occurs at a poorly conserved position in the protein, it is predicted to be benign by multiple in silico algorithms, and/or has population frequency not consistent with disease.

NM_000083.3(CLCN1):c.1930+108T>C

Gene: CLCN1 (chloride voltage-gated channel 1; plus strand). Cytogenetic location: 7q34.
Variant type: single nucleotide variant.
Coding change: c.1930+108T>C on transcript NM_000083.3 (MANE Select); 108 bases into the intron after coding-DNA position 1930, T replaced by C.
Molecular consequence: intron variant.
Genome position (GRCh38, 1-based): chr7:143,342,613, T>C. VCF-style: chr7-143342613-T-C. GRCh37 (hg19) VCF-style: chr7-143039706-T-C.
Identifiers: ClinVar variation 681623 (VCV000681623.1), dbSNP rs17381401, ClinGen allele CA16317489.